The following is an entry in ClinVar:

ClinVar aggregate classification (germline): Uncertain significance. Review status: criteria provided, multiple submitters, no conflicts (2 of 4 stars). 5 submissions from 5 submitters: Uncertain significance (3). 2 of the submissions do not count toward it. Last evaluated 2023-04-11.

Conditions:
Dihydropyrimidine dehydrogenase deficiency (DPYDD). Also called: Hereditary Thymine-Uraciluria; DPD DEFICIENCY; DPYD DEFICIENCY. Identifiers: Orphanet 1675, MedGen C1959620, MONDO:0010130, OMIM 274270.

Allele frequency attached by ClinVar (database versions not stated): TOPMed 0.00003; ExAC 0.00004; 1000 Genomes Project 30x 0.00016; gnomAD 0.00003; gnomAD exomes 0.00004; 1000 Genomes Project 0.00020.
gnomAD v4.1: 29 of 1,612,928 alleles (0.0018%); highest among the groups gnomAD compares: East Asian, 0.02%; no homozygotes.

Submissions (5):

Genome-Nilou Lab
Classification: Uncertain significance for Dihydropyrimidine dehydrogenase deficiency. Last evaluated: 2023-04-11. Review status: criteria provided, single submitter. Criteria: ACMG Guidelines, 2015. Collection method: clinical testing. Allele origin: germline. Affected: no.

Women's Health and Genetics/Laboratory Corporation of America, LabCorp
Classification: Uncertain significance. Last evaluated: 2022-08-05. Review status: criteria provided, single submitter. Criteria: LabCorp Variant Classification Summary - May 2015. Collection method: clinical testing. Allele origin: germline.
Comment: Variant summary: DPYD c.2657G>A (p.Arg886His) results in a non-conservative amino acid change in the encoded protein sequence. Five of five in-silico tools predict a damaging effect of the variant on protein function. The variant allele was found at a frequency of 4.4e-05 in 250320 control chromosomes. This frequency is not significantly higher than expected for a pathogenic variant in DPYD causing Dihydropyrimidine Dehydrogenase Deficiency (4.4e-05 vs 0.0025), allowing no conclusion about variant significance. c.2657G>A has been reported in the literature in at least one individual with Dihydropyrimidine Dehydrogenase Deficiency, who carried the variant of interest as well as C29R, both in the homozygous state (Vreken_1997, Van Kuilenburg_1999). The variant has also been cited in the literature in panels testing cancer patients for chemotherapy toxicity. These reports do not provide unequivocal conclusions about association of the variant with Dihydropyrimidine Dehydrogenase Deficiency. The variant was reported in an E. Coli based expression system to have 25% residual acitvity, and in a mammalian cell system to have activity similar to wild-type (Vreken_1997, Offer_2014). One clinical diagnostic laboratory has submitted clinical-significance assessments for this variant to ClinVar after 2014 without evidence for independent evaluation. One laboratory classified the variant as uncertain significance. Based on the evidence outlined above, the variant was classified as uncertain significance.

Juno Genomics, Hangzhou Juno Genomics, Inc
Classification: Uncertain significance for Dihydropyrimidine dehydrogenase deficiency. Review status: criteria provided, single submitter. Criteria: ACMG Guidelines, 2015. Collection method: clinical testing. Allele origin: germline.
Comment: Absent from controls (or at extremely low frequency if recessive) in Genome Aggregation Database.;Well-established in vitro or in vivo functional studies supportive of a damaging effect on the gene or gene product.;For recessive disorders, detected in trans with a pathogenic variant.

Counsyl
Classification: Uncertain significance for Dihydropyrimidine dehydrogenase deficiency. Last evaluated: 2018-01-02. Review status: no assertion criteria provided. Collection method: clinical testing. Allele origin: unknown. Not counted in ClinVar's aggregate classification.

OMIM
Classification: Pathogenic for DIHYDROPYRIMIDINE DEHYDROGENASE DEFICIENCY. Last evaluated: 1997-12-01. Review status: no assertion criteria provided. Collection method: literature only. Allele origin: germline. Not counted in ClinVar's aggregate classification.

Literature cited by the submitters: PubMed 32595208 (cited by Women's Health and Genetics/Laboratory Corporation of America, LabCorp); PubMed 23588312 (cited by Women's Health and Genetics/Laboratory Corporation of America, LabCorp); PubMed 10071185 (cited by Women's Health and Genetics/Laboratory Corporation of America, LabCorp); PubMed 9439663 (cited by 3 submitters); PubMed 24648345 (cited by Counsyl).

NM_000110.4(DPYD):c.2657G>A (p.Arg886His)

Genes: DPYD (dihydropyrimidine dehydrogenase; minus strand), DPYD-AS1 (DPYD antisense RNA 1; plus strand). Cytogenetic location: 1p21.3.
Variant type: single nucleotide variant.
Coding change: c.2657G>A on transcript NM_000110.4 (MANE Select); coding-DNA position 2657, G replaced by A.
Protein change: p.Arg886His; replaces arginine 886 with histidine.
Molecular consequence: missense variant.
Genome position (GRCh38, 1-based): chr1:97,098,598, C>T on the plus strand (G>A on the coding strand, the complement: DPYD is on the minus strand). VCF-style: chr1-97098598-C-T. GRCh37 (hg19) VCF-style: chr1-97564154-C-T.
Other names: short protein forms R886H.
Identifiers: ClinVar variation 437 (VCV000000437.6), dbSNP rs1801267, ClinGen allele CA114282.